The following is an entry in ClinVar:

ClinVar aggregate classification (germline): Uncertain significance (1 of 4 stars; one submission).

Conditions:
Hereditary spastic paraplegia 62. Also called: Spastic paraplegia 62, autosomal recessive. Identifiers: Orphanet 401785, MedGen C4284588, MONDO:0014302, OMIM 615681.

Allele frequency attached by ClinVar (database versions not stated): gnomAD 0.00001.
gnomAD v4.1: 2 of 1,601,002 alleles (0.00012%); highest among the groups gnomAD compares: East Asian, 0.0022%; no homozygotes.

Submission:

Labcorp Genetics (formerly Invitae), Labcorp
Classification: Uncertain significance for Hereditary spastic paraplegia 62. Last evaluated: 2022-02-10. Review status: criteria provided, single submitter. Criteria: Invitae Variant Classification Sherloc (09022015). Collection method: clinical testing. Allele origin: germline.
Comment: This variant has not been reported in the literature in individuals affected with ERLIN1-related conditions. This variant is not present in population databases (gnomAD no frequency). In summary, the available evidence is currently insufficient to determine the role of this variant in disease. Therefore, it has been classified as a Variant of Uncertain Significance. Variants that disrupt the consensus splice site are a relatively common cause of aberrant splicing (PMID: 17576681, 9536098). Algorithms developed to predict the effect of sequence changes on RNA splicing suggest that this variant may create or strengthen a splice site. This sequence change falls in intron 9 of the ERLIN1 gene. It does not directly change the encoded amino acid sequence of the ERLIN1 protein. It affects a nucleotide within the consensus splice site.

Literature cited by the submitters: PubMed 17576681; PubMed 9536098.

NM_006459.4(ERLIN1):c.745+5A>G

Gene: ERLIN1 (ER lipid raft associated 1; minus strand). Cytogenetic location: 10q24.31.
Variant type: single nucleotide variant.
Coding change: c.745+5A>G on transcript NM_006459.4 (MANE Select); 5 bases into the intron after coding-DNA position 745, A replaced by G.
Molecular consequence: intron variant.
Genome position (GRCh38, 1-based): chr10:100,156,140, T>C on the plus strand (A>G on the coding strand, the complement: ERLIN1 is on the minus strand). VCF-style: chr10-100156140-T-C. GRCh37 (hg19) VCF-style: chr10-101915897-T-C.
Other names: c.745+5A>G (NM_001347857.2, NM_001100626.2, NM_001347860.2 and 2 more transcripts); c.493+5A>G (NM_001347856.2); c.265+5A>G (NM_001347858.2).
Identifiers: ClinVar variation 1349898 (VCV001349898.6), dbSNP rs1173306064, ClinGen allele CA658873126.
Genomic context (GRCh38, chr10:100,156,140, plus strand): 5'-GAACCCTGGAGCAGAGAGGAGGCAGTTCGGGACAGGCAGAGCTTCATCCTCTCCCCACAA[T>C]GTACCTTCGATTTCAGAAATGCGCTTTTCAGTTTCTTTTTCCATCACTTTCTGCTGAAAC-3'